The following is an entry in ClinVar:

ClinVar aggregate classification (germline): Uncertain significance (1 of 4 stars; one submission).

gnomAD v4.1: 1 of 1,614,024 alleles (0.000062%); highest among the groups gnomAD compares: Admixed American, 0.0017%; no homozygotes.

Submission:

GeneDx
Classification: Uncertain significance. Last evaluated: 2023-12-19. Review status: criteria provided, single submitter. Criteria: GeneDx Variant Classification Process June 2021. Collection method: clinical testing. Allele origin: germline. Affected: yes.
Comment: In silico analysis supports that this missense variant does not alter protein structure/function; Has not been previously published as pathogenic or benign to our knowledge

NM_015001.3(SPEN):c.10775C>A (p.Thr3592Asn)

Gene: SPEN (spen family transcriptional repressor; plus strand). Cytogenetic location: 1p36.13.
Variant type: single nucleotide variant.
Coding change: c.10775C>A on transcript NM_015001.3 (MANE Select); coding-DNA position 10775, C replaced by A.
Protein change: p.Thr3592Asn; replaces threonine 3592 with asparagine.
Molecular consequence: missense variant.
Genome position (GRCh38, 1-based): chr1:15,938,788, C>A. VCF-style: chr1-15938788-C-A. GRCh37 (hg19) VCF-style: chr1-16265283-C-A.
Other names: short protein forms T3592N.
Identifiers: ClinVar variation 3370034 (VCV003370034.1).
Genomic context (GRCh38, chr1:15,938,788, plus strand): 5'-ATTACTGTCTGCTGCTGGCTCTGCCCTGTGGCCGTGACCAAGAGGATGTTGTGAGCCAGA[C>A]CGAGTCCCTCAAGGCTGCCTTCATCACTTACCTGCAGGCCAAGCAGGCGGCAGGGATCAT-3'
Protein context (NP_055816.2, residues 3582-3602): GRDQEDVVSQ[Thr3592Asn]ESLKAAFITY